The following is an entry in ClinVar:

ClinVar aggregate classification (germline): Uncertain significance (1 of 4 stars; one submission).

Submission:

GeneDx
Classification: Uncertain significance. Last evaluated: 2022-10-13. Review status: criteria provided, single submitter. Criteria: GeneDx Variant Classification Process June 2021. Collection method: clinical testing. Allele origin: germline. Affected: yes.
Comment: Not observed at significant frequency in large population cohorts (gnomAD); In silico analysis supports that this missense variant has a deleterious effect on protein structure/function; Has not been previously published as pathogenic or benign to our knowledge

NM_005647.4(TBL1X):c.337G>A (p.Ala113Thr)

Gene: TBL1X (transducin beta like 1 X-linked; plus strand). Cytogenetic location: Xp22.2.
Variant type: single nucleotide variant.
Coding change: c.337G>A on transcript NM_005647.4 (MANE Select); coding-DNA position 337, G replaced by A.
Protein change: p.Ala113Thr; replaces alanine 113 with threonine.
Molecular consequence: missense variant.
Genome position (GRCh38, 1-based): chrX:9,684,168, G>A. VCF-style: chrX-9684168-G-A. GRCh37 (hg19) VCF-style: chrX-9652208-G-A.
Other names: c.337G>A, p.Ala113Thr (NM_001139466.1); c.184G>A, p.Ala62Thr (NM_001139467.1, NM_001139468.1); short protein forms A113T, A62T.
Identifiers: ClinVar variation 2499189 (VCV002499189.1), dbSNP rs2518574312, ClinGen allele CA411996507.